The following is an entry in ClinVar:

NM_033337.3(CAV3):c.377G>A (p.Arg126His)

Genes: CAV3 (caveolin 3; plus strand), OXTR (oxytocin receptor; minus strand). Cytogenetic location: 3p25.3.
Variant type: single nucleotide variant.
Coding change: c.377G>A on transcript NM_033337.3 (MANE Select); coding-DNA position 377, G replaced by A.
Protein change: p.Arg126His; replaces arginine 126 with histidine.
Molecular consequence: missense variant.
Genome position (GRCh38, 1-based): chr3:8,745,788, G>A. VCF-style: chr3-8745788-G-A. GRCh37 (hg19) VCF-style: chr3-8787474-G-A.
Other names: c.377G>A, p.Arg126His (NM_001234.5); short protein forms R126H.
Identifiers: ClinVar variation 31713 (VCV000031713.19), dbSNP rs116840777, ClinGen allele CA215160.

ClinVar aggregate classification (germline): Uncertain significance. Review status: criteria provided, multiple submitters, no conflicts (2 of 4 stars). 6 submissions from 6 submitters: Uncertain significance (5). 1 of the submissions does not count toward it. Last evaluated 2026-08-03.

Conditions:
CAV3-related disorder. Also called: CAV3-related condition.
Long QT syndrome (LQTS). Identifiers: MedGen C0023976, MeSH D008133, MONDO:0002442. Disease mechanism: loss of function. Inheritance: Various modes of inheritance.

Allele frequency attached by ClinVar (database versions not stated): TOPMed below 0.00001; gnomAD 0.00001; gnomAD exomes 0.00001 and 0.00002.

Submissions (6):

PreventionGenetics, part of Exact Sciences
Classification: Uncertain significance for CAV3-related condition. Last evaluated: 2026-08-03. Review status: criteria provided, single submitter. Criteria: ACMG Guidelines, 2015. Collection method: clinical testing. Allele origin: germline.
Comment: The CAV3 c.377G>A variant is predicted to result in the amino acid substitution p.Arg126His. This variant was also reported in another individual with limb-girdle muscular dystrophy; however, this individual also harbored additional variants in genes associated with limb-girdle muscular dystrophy (patient 196 in Table 1 and in Additional file 2, Fichna et al. 2018. PubMed ID: 29970176). This variant has also been reported in an individual with arrhythmogenic right ventricular cardiomyopathy (Table S1, Brion et al. 2014. PubMed ID: 24981977). This variant is reported in 0.0026% of alleles in individuals of European (Non-Finnish) descent in gnomAD. At this time, the clinical significance of this variant is uncertain due to the absence of conclusive functional and genetic evidence.

Women's Health and Genetics/Laboratory Corporation of America, LabCorp
Classification: Uncertain significance. Last evaluated: 2026-06-30. Review status: criteria provided, single submitter. Criteria: LabCorp Variant Classification Summary - May 2015. Collection method: clinical testing. Allele origin: germline.
Comment: Variant summary: CAV3 c.377G>A (p.Arg126His) results in a non-conservative amino acid change in the encoded protein sequence. Algorithms developed to predict the effect of missense changes on protein structure and function are either unavailable or do not agree on the potential impact of this missense change. The variant allele was found at a frequency of 1.2e-05 in 251124 control chromosomes (gnomAD). The available data on variant occurrences in the general population are insufficient to allow any conclusion about variant significance. c.377G>A has been observed in individuals affected with CAV3-related conditions (e.g. de Paula_2001, Brion_2014). These reports do not provide unequivocal conclusions about association of the variant with disease. To our knowledge, no experimental evidence demonstrating an impact on protein function has been reported. The following publications have been ascertained in the context of this evaluation (PMID: 11251997, 24981977). ClinVar contains an entry for this variant (Variation ID: 31713). Based on the evidence outlined above, the variant was classified as uncertain significance.

Labcorp Genetics (formerly Invitae), Labcorp
Classification: Uncertain significance for Long QT syndrome. Last evaluated: 2025-12-16. Review status: criteria provided, single submitter. Criteria: Invitae Variant Classification Sherloc (09022015). Collection method: clinical testing. Allele origin: germline.
Comment: This sequence change replaces arginine, which is basic and polar, with histidine, which is basic and polar, at codon 126 of the CAV3 protein (p.Arg126His). The frequency data for this variant in the population databases is considered unreliable, as metrics indicate poor data quality at this position in the gnomAD database. This missense change has been observed in individual(s) with limb-girdle muscular dystrophy (LGMD) (PMID: 11251997, 29970176). This variant is also known as R125H. ClinVar contains an entry for this variant (Variation ID: 31713). An algorithm developed to predict the effect of missense changes on protein structure and function outputs the following: PolyPhen-2: "Benign". The histidine amino acid residue is found in multiple mammalian species, which suggests that this missense change does not adversely affect protein function. In summary, the available evidence is currently insufficient to determine the role of this variant in disease. Therefore, it has been classified as a Variant of Uncertain Significance.

GeneDx
Classification: Uncertain significance. Last evaluated: 2025-05-05. Review status: criteria provided, single submitter. Criteria: GeneDx Variant Classification Process June 2021. Collection method: clinical testing. Allele origin: germline. Affected: yes.
Comment: In silico analysis suggests that this missense variant does not alter protein structure/function; Not observed at significant frequency in large population cohorts (gnomAD); Reported in individuals with limb-girdle muscular dystrophy (LGMD), co-occurring with a COL6A2 variant in one patient, in two unaffected siblings of one LGMD patient, as well as in an individual with arrhythmogenic right ventricular cardiomyopathy (PMID: 11251997); This variant is associated with the following publications: (PMID: 29970176, 25630502, 24981977, 11251997)

Revvity Omics, Revvity
Classification: Uncertain significance. Last evaluated: 2020-05-12. Review status: criteria provided, single submitter. Criteria: ACMG Guidelines, 2015. Collection method: clinical testing. Allele origin: germline.

Leiden Muscular Dystrophy (CAV3)
No classification provided. Last evaluated: 2012-04-15. Review status: no classification provided. Collection method: curation. Allele origin: germline. Not counted in ClinVar's aggregate classification.

Literature cited by the submitters: PubMed 11251997 (cited by Women's Health and Genetics/Laboratory Corporation of America, LabCorp and Labcorp Genetics (formerly Invitae), Labcorp); PubMed 24981977 (cited by Women's Health and Genetics/Laboratory Corporation of America, LabCorp); PubMed 29970176 (cited by Labcorp Genetics (formerly Invitae), Labcorp).